The following is an entry in ClinVar:

NM_001184.4(ATR):c.1024C>G (p.Leu342Val)

Gene: ATR (ATR checkpoint kinase; minus strand). Cytogenetic location: 3q23.
Variant type: single nucleotide variant.
Coding change: c.1024C>G on transcript NM_001184.4 (MANE Select); coding-DNA position 1024, C replaced by G.
Protein change: p.Leu342Val; replaces leucine 342 with valine.
Molecular consequence: missense variant.
Genome position (GRCh38, 1-based): chr3:142,562,378, G>C on the plus strand (C>G on the coding strand, the complement: ATR is on the minus strand). VCF-style: chr3-142562378-G-C. GRCh37 (hg19) VCF-style: chr3-142281220-G-C.
Other names: c.1024C>G, p.Leu342Val (NM_001354579.2); short protein forms L342V.
Identifiers: ClinVar variation 1769050 (VCV001769050.2), dbSNP rs2473425652, ClinGen allele CA354823978.

ClinVar aggregate classification (germline): Uncertain significance (1 of 4 stars; one submission).

Conditions:
Inborn genetic diseases. Identifiers: MedGen C0950123, MeSH D030342.

Submission:

Ambry Genetics
Classification: Uncertain significance for Inborn genetic diseases. Last evaluated: 2022-06-02. Review status: criteria provided, single submitter. Criteria: Ambry Variant Classification Scheme 2023. Collection method: clinical testing. Allele origin: germline.
Comment: The p.L342V variant (also known as c.1024C>G), located in coding exon 4 of the ATR gene, results from a C to G substitution at nucleotide position 1024. The leucine at codon 342 is replaced by valine, an amino acid with highly similar properties. This amino acid position is conserved. In addition, this alteration is predicted to be tolerated by in silico analysis. Since supporting evidence is limited at this time, the clinical significance of this alteration remains unclear.